The following is an entry in ClinVar:

NM_001042492.3(NF1):c.7330dup (p.Thr2444fs)

Gene: NF1 (neurofibromin 1; plus strand). Cytogenetic location: 17q11.2.
Variant type: Duplication.
Coding change: c.7330dup on transcript NM_001042492.3 (MANE Select); coding-DNA position 7330, one base duplicated (A; older notation c.7330dupA).
Protein change: p.Thr2444fs; shifts the reading frame from threonine 2444.
Molecular consequence: frameshift variant.
Genome position (GRCh38, 1-based): chr17:31,350,191, A duplicated. VCF-style (leftmost placement, unchanged base first): chr17-31350190-T-TA. GRCh37 (hg19) VCF-style: chr17-29677208-T-TA.
Other names: c.7330dupA (NM_001042492.2); c.7267dupA (NM_000267.3); c.7267dup, p.Thr2423Asnfs (NM_000267.4); short protein forms T2423fs, T2444fs.
Identifiers: ClinVar variation 420081 (VCV000420081.18), dbSNP rs1064794278, ClinGen allele CA16620375.

ClinVar aggregate classification (germline): Pathogenic. Review status: criteria provided, multiple submitters, no conflicts (2 of 4 stars). 8 submissions from 8 submitters: Pathogenic (7). 1 of the submissions does not count toward it. Last evaluated 2026-06-12.

Conditions:
Hereditary cancer-predisposing syndrome. Also called: Hereditary Cancer Syndrome; Tumor predisposition; Hereditary neoplastic syndrome; Neoplastic Syndromes, Hereditary. Identifiers: Orphanet 140162, MedGen C0027672, MeSH D009386, MONDO:0015356.
Cardiovascular phenotype. Identifiers: MedGen CN230736.
Neurofibromatosis, type 1 (NF1). Also called: VON RECKLINGHAUSEN DISEASE; NEUROFIBROMATOSIS, TYPE I, SOMATIC; Peripheral type neurofibromatosis; Neurofibromatosis, type I. Identifiers: Orphanet 636, MedGen C0027831, MONDO:0018975, OMIM 162200. Disease mechanism: loss of function.
Juvenile myelomonocytic leukemia (JMML). Also called: LEUKEMIA, JUVENILE MYELOMONOCYTIC, SOMATIC. Identifiers: Orphanet 86834, MedGen C0349639, MONDO:0011908, OMIM 607785, HP:0012209.

Allele frequency attached by ClinVar (database versions not stated): gnomAD exomes below 0.00001.

Submissions (8):

Ambry Genetics
Classification: Pathogenic for Cardiovascular phenotype; Hereditary cancer-predisposing syndrome. Last evaluated: 2026-06-12. Review status: criteria provided, single submitter. Criteria: Ambry Variant Classification Scheme 2023. Collection method: clinical testing. Allele origin: germline.
Comment: The c.7267dupA pathogenic mutation, located in coding exon 49 of the NF1 gene, results from a duplication of A at nucleotide position 7267, causing a translational frameshift with a predicted alternate stop codon (p.T2423Nfs*4). This variant was reported in individual(s) with features consistent with neurofibromatosis type 1 (Ars E et al. J Med Genet. 2003 Jun;40:e82; Bolcekova A et al. Neoplasma.2013;60:655-65; Xu W et al. Int J Mol Med. 2014 Jul;34:53-60; Kang E et al. J Hum Genet. 2020 Jan;65:79-89; Ambry internal data). This variant is considered to be rare based on population cohorts in the Genome Aggregation Database (gnomAD). This alteration is expected to result in loss of function by premature protein truncation or nonsense-mediated mRNA decay. As such, this alteration is interpreted as a disease-causing mutation.

Labcorp Genetics (formerly Invitae), Labcorp
Classification: Pathogenic for Neurofibromatosis, type 1. Last evaluated: 2026-01-07. Review status: criteria provided, single submitter. Criteria: Invitae Variant Classification Sherloc (09022015). Collection method: clinical testing. Allele origin: germline.
Comment: This sequence change creates a premature translational stop signal (p.Thr2423Asnfs*4) in the NF1 gene. It is expected to result in an absent or disrupted protein product. Loss-of-function variants in NF1 are known to be pathogenic (PMID: 10712197, 23913538). This variant is not present in population databases (gnomAD no frequency). This premature translational stop signal has been observed in individual(s) with neurofibromatosis type 1 (PMID: 22155606, 24789688). Invitae Evidence Modeling of clinical and family history, age, sex, and reported ancestry of multiple individuals with this NF1 variant has been performed. This variant is expected to be pathogenic with a positive predictive value of at least 99%. This is a validated machine learning model that incorporates the clinical features of 1,785,918 individuals referred to our laboratory for NF1 testing. ClinVar contains an entry for this variant (Variation ID: 420081). For these reasons, this variant has been classified as Pathogenic.

Quest Diagnostics Nichols Institute San Juan Capistrano
Classification: Pathogenic. Last evaluated: 2025-05-12. Review status: criteria provided, single submitter. Criteria: Quest Diagnostics criteria. Collection method: clinical testing. Allele origin: unknown.
Comment: The NF1 c.7267dup (p.Thr2423Asnfs*4) variant alters the translational reading frame of the NF1 mRNA and causes the premature termination of NF1 protein synthesis. In the published literature, this variant has been reported in multiple individuals with clinically diagnosed or suspected of having NF1 (PMIDs: 31776437 (2020), 24789688 (2014), 22155606 (2011), 12807981 (2003), 10543400 (1999)). This variant has not been reported in large, multi-ethnic general populations (Genome Aggregation Database). Based on the available information, this variant is classified as pathogenic.

GeneDx
Classification: Pathogenic. Last evaluated: 2023-09-18. Review status: criteria provided, single submitter. Criteria: GeneDx Variant Classification Process June 2021. Collection method: clinical testing. Allele origin: germline. Affected: yes.
Comment: Frameshift variant predicted to result in protein truncation or nonsense mediated decay in a gene for which loss-of-function is a known mechanism of disease; Not observed at significant frequency in large population cohorts (gnomAD); This variant is associated with the following publications: (PMID: 10543400, 23906300, 22155606, 24789688, 31776437)

Genome-Nilou Lab
Classification: Pathogenic for Neurofibromatosis, type 1. Last evaluated: 2022-03-15. Review status: criteria provided, single submitter. Criteria: ACMG Guidelines, 2015. Collection method: clinical testing. Allele origin: germline. Affected: no.

Baylor Genetics
Classification: Pathogenic for Juvenile myelomonocytic leukemia. Last evaluated: 2022-02-22. Review status: criteria provided, single submitter. Criteria: ACMG Guidelines, 2015. Collection method: clinical testing. Allele origin: unknown.

Center for Human Genetics, Inc
Classification: Pathogenic for Neurofibromatosis, type 1. Last evaluated: 2016-11-01. Review status: criteria provided, single submitter. Criteria: ACMG Guidelines, 2015. Collection method: clinical testing. Allele origin: germline. Affected: yes.

Clinical Molecular Genetics Laboratory, Johns Hopkins All Children's Hospital
Classification: Pathogenic for Neurofibromatosis, type 1. Last evaluated: 2014-03-05. Review status: no assertion criteria provided. Collection method: clinical testing. Allele origin: germline. Affected: yes. Not counted in ClinVar's aggregate classification.

Literature cited by the submitters: PubMed 12807981 (cited by Ambry Genetics); PubMed 23906300 (cited by Ambry Genetics); PubMed 24789688 (cited by Ambry Genetics and Labcorp Genetics (formerly Invitae), Labcorp); PubMed 31776437 (cited by Ambry Genetics); PubMed 10712197 (cited by Labcorp Genetics (formerly Invitae), Labcorp); PubMed 23913538 (cited by Labcorp Genetics (formerly Invitae), Labcorp); PubMed 22155606 (cited by Labcorp Genetics (formerly Invitae), Labcorp).